The following is an entry in ClinVar:

NM_001142800.2(EYS):c.8000C>A (p.Thr2667Asn)

Gene: EYS (eyes shut homolog; minus strand). Cytogenetic location: 6q12.
Variant type: single nucleotide variant.
Coding change: c.8000C>A on transcript NM_001142800.2 (MANE Select); coding-DNA position 8000, C replaced by A.
Protein change: p.Thr2667Asn; replaces threonine 2667 with asparagine.
Molecular consequence: missense variant.
Genome position (GRCh38, 1-based): chr6:63,762,532, G>T on the plus strand (C>A on the coding strand, the complement: EYS is on the minus strand). VCF-style: chr6-63762532-G-T. GRCh37 (hg19) VCF-style: chr6-64472425-G-T.
Other names: c.8000C>A, p.Thr2667Asn (NM_001292009.2); short protein forms T2667N.
Identifiers: ClinVar variation 1806616 (VCV001806616.1), dbSNP rs909193856, ClinGen allele CA140241321.

ClinVar aggregate classification (germline): Uncertain significance (1 of 4 stars; one submission).

gnomAD v4.1: 10 of 1,550,410 alleles (0.00064%); highest among the groups gnomAD compares: South Asian, 0.0095%; 1 homozygote.

Submission:

GeneDx
Classification: Uncertain significance. Last evaluated: 2022-06-22. Review status: criteria provided, single submitter. Criteria: GeneDx Variant Classification Process June 2021. Collection method: clinical testing. Allele origin: germline. Affected: yes.
Comment: Not observed at significant frequency in large population cohorts (gnomAD); In silico analysis supports that this missense variant does not alter protein structure/function; Has not been previously published as pathogenic or benign to our knowledge